The following is an entry in ClinVar:

ClinVar aggregate classification (germline): Benign/Likely benign. Review status: criteria provided, multiple submitters, no conflicts (2 of 4 stars). 3 submissions from 3 submitters: Benign (1); Likely benign (2). Last evaluated 2026-01-16.

Conditions:
Hereditary coproporphyria (HCP). Also called: Hereditary coproporphyria porphyria; Porphyria hepatica coproporphyria; Porphyria hepatica II; CPRO deficiency; COPROPORPHYRINOGEN OXIDASE DEFICIENCY; CPO DEFICIENCY. Identifiers: Orphanet 79273, MedGen C0162531, MONDO:0007369, OMIM 121300.

Allele frequency attached by ClinVar (database versions not stated): ESP Exome Variant Server 0.00031; TOPMed 0.00018.
gnomAD v4.1: 387 of 1,614,078 alleles (0.024%); highest among the groups gnomAD compares: Middle Eastern, 0.016%; 1 homozygote.

Submissions (3):

Labcorp Genetics (formerly Invitae), Labcorp
Classification: Likely benign. Last evaluated: 2026-01-16. Review status: criteria provided, single submitter. Criteria: Invitae Variant Classification Sherloc (09022015). Collection method: clinical testing. Allele origin: germline.

Illumina Laboratory Services, Illumina
Classification: Benign for Hereditary coproporphyria. Last evaluated: 2018-01-13. Review status: criteria provided, single submitter. Criteria: ICSL Variant Classification Criteria 13 December 2019. Collection method: clinical testing. Allele origin: germline.
Comment: This variant was observed in the ICSL laboratory as part of a predisposition screen in an ostensibly healthy population. It had not been previously curated by ICSL or reported in the Human Gene Mutation Database (HGMD: prior to June 1st, 2018), and was therefore a candidate for classification through an automated scoring system. Utilizing variant allele frequency, disease prevalence and penetrance estimates, and inheritance mode, an automated score was calculated to assess if this variant is too frequent to cause the disease. Based on the score and internal cut-off values, a variant classified as benign is not then subjected to further curation. The score for this variant resulted in a classification of benign for this disease.

Breakthrough Genomics
Classification: Likely benign. Review status: criteria provided, single submitter. Criteria: ACMG Guidelines, 2015. Collection method: not provided. Allele origin: germline. Inheritance: Autosomal recessive inheritance. Affected: yes.

NM_000097.7(CPOX):c.651A>G (p.Glu217=)

Gene: CPOX (coproporphyrinogen oxidase; minus strand). Cytogenetic location: 3q11.2.
Variant type: single nucleotide variant.
Coding change: c.651A>G on transcript NM_000097.7 (MANE Select); coding-DNA position 651, A replaced by G.
Protein change: p.Glu217=; no amino-acid change (glutamic acid 217 retained).
Molecular consequence: synonymous variant.
Genome position (GRCh38, 1-based): chr3:98,591,061, T>C on the plus strand (A>G on the coding strand, the complement: CPOX is on the minus strand). VCF-style: chr3-98591061-T-C. GRCh37 (hg19) VCF-style: chr3-98309905-T-C.
Other names: c.651A>G, p.Glu217= (LRG_1077t1).
Identifiers: ClinVar variation 346980 (VCV000346980.12), dbSNP rs138479596, ClinGen allele CA2511654.